The following is an entry in ClinVar:

NM_001376.5(DYNC1H1):c.*232C>T

Genes: DYNC1H1 (dynein cytoplasmic 1 heavy chain 1; plus strand), LOC125078040 (Sharpr-MPRA regulatory region 9666; plus strand). Cytogenetic location: 14q32.31.
Variant type: single nucleotide variant.
Coding change: c.*232C>T on transcript NM_001376.5 (MANE Select); 232 bases downstream of the stop codon, C replaced by T.
Molecular consequence: 3 prime UTR variant.
Genome position (GRCh38, 1-based): chr14:102,050,795, C>T. VCF-style: chr14-102050795-C-T. GRCh37 (hg19) VCF-style: chr14-102517132-C-T.
Identifiers: ClinVar variation 312672 (VCV000312672.9), dbSNP rs17512996, ClinGen allele CA10643814.

ClinVar aggregate classification (germline): Benign/Likely benign. Review status: criteria provided, multiple submitters, no conflicts (2 of 4 stars). 4 submissions from 3 submitters: Benign (2); Likely benign (2). Last evaluated 2018-06-26.

Conditions:
Charcot-Marie-Tooth disease axonal type 2O. Also called: CHARCOT-MARIE-TOOTH NEUROPATHY, AXONAL, TYPE 2O; CHARCOT-MARIE-TOOTH DISEASE, AXONAL, AUTOSOMAL DOMINANT, TYPE 2O; Charcot-Marie-Tooth Neuropathy Type 2O; Charcot-Marie-Tooth disease, axonal, type 20. Identifiers: Orphanet 284232, MedGen C3280220, MONDO:0013644, OMIM 614228.
Autosomal dominant cerebellar ataxia. Also called: Spinocerebellar Ataxia, Dominant. Identifiers: Orphanet 99, MedGen C4087347, MONDO:0020380.

Allele frequency attached by ClinVar (database versions not stated): 1000 Genomes Project 0.02796; TOPMed 0.03852; 1000 Genomes Project 30x 0.02826; gnomAD exomes 0.03556; gnomAD 0.03630 and 0.03685.
gnomAD v4.1: 20,319 of 562,330 alleles (3.6%); highest among the groups gnomAD compares: Middle Eastern, 8%; 444 homozygotes.

Submissions (4):

GeneDx
Classification: Likely benign. Last evaluated: 2018-06-26. Review status: criteria provided, single submitter. Criteria: GeneDx Variant Classification Process June 2021. Collection method: clinical testing. Allele origin: germline. Affected: yes.

Illumina Laboratory Services, Illumina
Classification: Benign for Charcot-Marie-Tooth disease axonal type 2O. Last evaluated: 2018-01-13. Review status: criteria provided, single submitter. Criteria: ICSL Variant Classification Criteria 13 December 2019. Collection method: clinical testing. Allele origin: germline.
Comment: This variant was observed in the ICSL laboratory as part of a predisposition screen in an ostensibly healthy population. It had not been previously curated by ICSL or reported in the Human Gene Mutation Database (HGMD: prior to June 1st, 2018), and was therefore a candidate for classification through an automated scoring system. Utilizing variant allele frequency, disease prevalence and penetrance estimates, and inheritance mode, an automated score was calculated to assess if this variant is too frequent to cause the disease. Based on the score and internal cut-off values, a variant classified as benign is not then subjected to further curation. The score for this variant resulted in a classification of benign for this disease.

Illumina Laboratory Services, Illumina
Classification: Benign for Spinocerebellar Ataxia, Dominant. Last evaluated: 2018-01-13. Review status: criteria provided, single submitter. Criteria: ICSL Variant Classification Criteria 13 December 2019. Collection method: clinical testing. Allele origin: germline.
Comment: the same text as in the submission from Illumina Laboratory Services, Illumina above.

Breakthrough Genomics
Classification: Likely benign. Review status: criteria provided, single submitter. Criteria: ACMG Guidelines, 2015. Collection method: not provided. Allele origin: germline. Inheritance: Autosomal dominant inheritance. Affected: yes.